The following is an entry in ClinVar:

NM_183050.4(BCKDHB):c.838C>T (p.Gln280Ter)

Gene: BCKDHB (branched chain keto acid dehydrogenase E1 subunit beta; plus strand). Cytogenetic location: 6q14.1.
Variant type: single nucleotide variant.
Coding change: c.838C>T on transcript NM_183050.4 (MANE Select); coding-DNA position 838, C replaced by T.
Protein change: p.Gln280Ter; replaces glutamine 280 with a stop codon.
Molecular consequence: nonsense. On other transcripts: non-coding transcript variant (6).
Genome position (GRCh38, 1-based): chr6:80,201,029, C>T. VCF-style: chr6-80201029-C-T. GRCh37 (hg19) VCF-style: chr6-80910746-C-T.
Other names: c.838C>T, p.Gln280Ter (NM_000056.5, NM_001424035.1, NM_001424036.1 and 7 more transcripts); c.628C>T, p.Gln210Ter (NM_001318975.1, NM_001424043.1); short protein forms Q210*, Q280*.
Identifiers: ClinVar variation 4817028 (VCV004817028.1).
Genomic context (GRCh38, chr6:80,201,029, plus strand): 5'-CTGTCCCAGGCCGAAGTCATACAGGAAGGGAGTGATGTTACTCTAGTTGCCTGGGGCACT[C>T]AGGTGAGTAGCATTGATCCCAACTGTTAAAACCTACGTTGTGCTTGGAAGCTCTCATTTT-3'

ClinVar aggregate classification (germline): Likely pathogenic (1 of 4 stars; one submission).

Conditions:
Maple syrup urine disease type 1B (MSUD1B). Also called: MSUD type IB; MSUD type 3 (formerly); MSUD due to deficiency of e1-beta subunit of branched-chain alpha-keto acid dehydrogenase complex. Identifiers: MedGen C2930990, MONDO:0023692, OMIM 620698.

Submission:

Natera, Inc.
Classification: Likely pathogenic for Maple syrup urine disease type 1B. Last evaluated: 2024-12-27. Review status: criteria provided, single submitter. Criteria: Natera Variant Classification Schema (03/2026). Collection method: clinical testing. Allele origin: germline.
Comment: The c.838C>T variant in BCKDHB is a nonsense variant predicted to introduce a stop codon at amino acid 280. This variant is expected to result in nonsense mediated decay, truncation, or a dysfunctional protein product. This variant is rare in the general population with a frequency below the threshold expected for the associated phenotype(s). Given the available evidence, this variant is classified as Likely Pathogenic.